The following is an entry in ClinVar:

ClinVar aggregate classification (germline): Uncertain significance. Review status: criteria provided, multiple submitters, no conflicts (2 of 4 stars). 2 submissions from 2 submitters: Uncertain significance (2). Last evaluated 2026-03-25.

Conditions:
Congenital adrenal hyperplasia due to cytochrome P450 oxidoreductase deficiency. Also called: DISORDERED STEROIDOGENESIS DUE TO POR DEFICIENCY. Identifiers: Orphanet 95699, MedGen C1860042, MONDO:0013310, OMIM 613571.

Allele frequency attached by ClinVar (database versions not stated): ExAC 0.00002; TOPMed 0.00002; gnomAD 0.00003.
gnomAD v4.1: 39 of 1,612,766 alleles (0.0024%); highest among the groups gnomAD compares: South Asian, 0.012%; no homozygotes.

Submissions (2):

GeneDx
Classification: Uncertain significance. Last evaluated: 2026-03-25. Review status: criteria provided, single submitter. Criteria: GeneDx Variant Classification Process June 2021. Collection method: clinical testing. Allele origin: germline.
Comment: Reported in a cancer patient who was administered paclitaxel in published literature (PMID: 21084761); In silico analysis supports that this missense variant has a deleterious effect on protein structure/function; This variant is associated with the following publications: (PMID: 21084761)

Labcorp Genetics (formerly Invitae), Labcorp
Classification: Uncertain significance for Congenital adrenal hyperplasia due to cytochrome P450 oxidoreductase deficiency. Last evaluated: 2024-11-11. Review status: criteria provided, single submitter. Criteria: Invitae Variant Classification Sherloc (09022015). Collection method: clinical testing. Allele origin: germline.
Comment: This sequence change replaces threonine, which is neutral and polar, with methionine, which is neutral and non-polar, at codon 29 of the POR protein (p.Thr29Met). This variant is present in population databases (rs781915397, gnomAD 0.008%). This variant has not been reported in the literature in individuals affected with POR-related conditions. ClinVar contains an entry for this variant (Variation ID: 2198202). An algorithm developed to predict the effect of missense changes on protein structure and function outputs the following: PolyPhen-2: "Benign". The methionine amino acid residue is found in multiple mammalian species, which suggests that this missense change does not adversely affect protein function. In summary, the available evidence is currently insufficient to determine the role of this variant in disease. Therefore, it has been classified as a Variant of Uncertain Significance.

NM_001395413.1(POR):c.77C>T (p.Thr26Met)

Gene: POR (cytochrome p450 oxidoreductase; plus strand). Cytogenetic location: 7q11.23.
Variant type: single nucleotide variant.
Coding change: c.77C>T on transcript NM_001395413.1 (MANE Select); coding-DNA position 77, C replaced by T.
Protein change: p.Thr26Met; replaces threonine 26 with methionine.
Molecular consequence: missense variant.
Genome position (GRCh38, 1-based): chr7:75,954,078, C>T. VCF-style: chr7-75954078-C-T. GRCh37 (hg19) VCF-style: chr7-75583396-C-T.
Other names: c.86C>T, p.Thr29Met (NM_000941.3); c.77C>T, p.Thr26Met (NM_001367562.3, NM_001382655.3, NM_001382657.2 and 3 more transcripts); short protein forms T29M, T26M.
Identifiers: ClinVar variation 2198202 (VCV002198202.3), dbSNP rs781915397, ClinGen allele CA4303446.